The following is an entry in ClinVar:

NM_001365951.3(KIF1B):c.2903C>G (p.Pro968Arg)

Genes: KIF1B (kinesin family member 1B; plus strand), LOC126805614 (BRD4-independent group 4 enhancer GRCh37_chr1:10385546-10386745; plus strand). Cytogenetic location: 1p36.22.
Variant type: single nucleotide variant.
Coding change: c.2903C>G on transcript NM_001365951.3 (MANE Select); coding-DNA position 2903, C replaced by G.
Protein change: p.Pro968Arg; replaces proline 968 with arginine.
Molecular consequence: missense variant.
Genome position (GRCh38, 1-based): chr1:10,326,338, C>G. VCF-style: chr1-10326338-C-G. GRCh37 (hg19) VCF-style: chr1-10386396-C-G.
Other names: c.2903C>G, p.Pro968Arg (NM_001365952.1); c.2765C>G, p.Pro922Arg (NM_015074.3); short protein forms P922R, P968R.
Identifiers: ClinVar variation 4826094 (VCV004826094.1).

ClinVar aggregate classification (germline): Uncertain significance (1 of 4 stars; one submission).

Submission:

Ambry Genetics
Classification: Uncertain significance. Last evaluated: 2026-03-07. Review status: criteria provided, single submitter. Criteria: Ambry Variant Classification Scheme 2023. Collection method: clinical testing. Allele origin: germline.
Comment: The p.P922R variant (also known as c.2765C>G), located in coding exon 24 of the KIF1B gene, results from a C to G substitution at nucleotide position 2765. The proline at codon 922 is replaced by arginine, an amino acid with dissimilar properties. This amino acid position is conserved. In addition, this alteration is predicted to be deleterious by in silico analysis. Based on the available evidence, the clinical significance of this variant remains unclear.